The following is an entry in ClinVar:

ClinVar aggregate classification (germline): Uncertain significance (1 of 4 stars; one submission).

Submission:

GeneDx
Classification: Uncertain significance. Last evaluated: 2026-01-29. Review status: criteria provided, single submitter. Criteria: GeneDx Variant Classification Process June 2021. Collection method: clinical testing. Allele origin: germline.
Comment: Not observed at significant frequency in large population cohorts (gnomAD); In silico analysis supports that this missense variant has a deleterious effect on protein structure/function; Has not been previously published as pathogenic or benign to our knowledge

NM_003922.4(HERC1):c.6857A>G (p.His2286Arg)

Gene: HERC1 (HECT and RLD domain containing E3 ubiquitin protein ligase family member 1; minus strand). Cytogenetic location: 15q22.31.
Variant type: single nucleotide variant.
Coding change: c.6857A>G on transcript NM_003922.4 (MANE Select); coding-DNA position 6857, A replaced by G.
Protein change: p.His2286Arg; replaces histidine 2286 with arginine.
Molecular consequence: missense variant.
Genome position (GRCh38, 1-based): chr15:63,678,058, T>C on the plus strand (A>G on the coding strand, the complement: HERC1 is on the minus strand). VCF-style: chr15-63678058-T-C. GRCh37 (hg19) VCF-style: chr15-63970257-T-C.
Other names: short protein forms H2286R.
Identifiers: ClinVar variation 4975288 (VCV004975288.1).